The following is an entry in ClinVar:

NM_152296.5(ATP1A3):c.1529C>T (p.Thr510Ile)

Gene: ATP1A3 (ATPase Na+/K+ transporting subunit alpha 3; minus strand). Cytogenetic location: 19q13.2.
Variant type: single nucleotide variant.
Coding change: c.1529C>T on transcript NM_152296.5 (MANE Select); coding-DNA position 1529, C replaced by T.
Protein change: p.Thr510Ile; replaces threonine 510 with isoleucine.
Molecular consequence: missense variant.
Genome position (GRCh38, 1-based): chr19:41,978,707, G>A on the plus strand (C>T on the coding strand, the complement: ATP1A3 is on the minus strand). VCF-style: chr19-41978707-G-A. GRCh37 (hg19) VCF-style: chr19-42482859-G-A.
Other names: c.1562C>T, p.Thr521Ile (NM_001256213.2); c.1568C>T, p.Thr523Ile (NM_001256214.2); short protein forms T510I, T521I, T523I.
Identifiers: ClinVar variation 3368749 (VCV003368749.1).

ClinVar aggregate classification (germline): Uncertain significance (1 of 4 stars; one submission).

Submission:

GeneDx
Classification: Uncertain significance. Last evaluated: 2024-02-01. Review status: criteria provided, single submitter. Criteria: GeneDx Variant Classification Process June 2021. Collection method: clinical testing. Allele origin: germline. Affected: yes.
Comment: Not observed at significant frequency in large population cohorts (gnomAD); In silico analysis supports that this missense variant has a deleterious effect on protein structure/function; Has not been previously published as pathogenic or benign to our knowledge